The following is an entry in ClinVar:

ClinVar aggregate classification (germline): Uncertain significance. Review status: criteria provided, multiple submitters, no conflicts (2 of 4 stars). 3 submissions from 3 submitters: Uncertain significance (3). Last evaluated 2026-01-04.

Conditions:
Familial adenomatous polyposis 1 (FAP1). Also called: POLYPOSIS, ADENOMATOUS INTESTINAL; FAMILIAL ADENOMATOUS POLYPOSIS 1, ATTENUATED. Identifiers: MedGen C2713442, MONDO:0021056, OMIM 175100. Disease mechanism: loss of function.
Hereditary cancer-predisposing syndrome. Also called: Hereditary neoplastic syndrome; Neoplastic Syndromes, Hereditary; Tumor predisposition; Hereditary Cancer Syndrome. Identifiers: Orphanet 140162, MedGen C0027672, MeSH D009386, MONDO:0015356.

Allele frequency attached by ClinVar (database versions not stated): TOPMed below 0.00001.

Submissions (3):

Labcorp Genetics (formerly Invitae), Labcorp
Classification: Uncertain significance for Familial adenomatous polyposis 1. Last evaluated: 2026-01-04. Review status: criteria provided, single submitter. Criteria: Invitae Variant Classification Sherloc (09022015). Collection method: clinical testing. Allele origin: germline.
Comment: This sequence change replaces lysine, which is basic and polar, with glutamine, which is neutral and polar, at codon 1030 of the APC protein (p.Lys1030Gln). This variant is not present in population databases (gnomAD no frequency). This variant has not been reported in the literature in individuals affected with APC-related conditions. ClinVar contains an entry for this variant (Variation ID: 469905). Invitae Evidence Modeling of protein sequence and biophysical properties (such as structural, functional, and spatial information, amino acid conservation, physicochemical variation, residue mobility, and thermodynamic stability) indicates that this missense variant is not expected to disrupt APC protein function with a negative predictive value of 95%. In summary, the available evidence is currently insufficient to determine the role of this variant in disease. Therefore, it has been classified as a Variant of Uncertain Significance.

Ambry Genetics
Classification: Uncertain significance for Hereditary cancer-predisposing syndrome. Last evaluated: 2024-01-23. Review status: criteria provided, single submitter. Criteria: Ambry Variant Classification Scheme 2023. Collection method: clinical testing. Allele origin: germline.
Comment: The p.K1030Q variant (also known as c.3088A>C), located in coding exon 15 of the APC gene, results from an A to C substitution at nucleotide position 3088. The lysine at codon 1030 is replaced by glutamine, an amino acid with similar properties. This amino acid position is conserved. In addition, in silico predictors for this gene do not accurately predict pathogenicity. Based on the available evidence, the clinical significance of this alteration remains unclear.

GeneDx
Classification: Uncertain significance. Last evaluated: 2022-07-25. Review status: criteria provided, single submitter. Criteria: GeneDx Variant Classification Process June 2021. Collection method: clinical testing. Allele origin: germline. Affected: yes.
Comment: Not observed at significant frequency in large population cohorts (gnomAD); In silico analysis supports that this missense variant does not alter protein structure/function; Has not been previously published as pathogenic or benign to our knowledge; This variant is associated with the following publications: (PMID: 18199528)

NM_000038.6(APC):c.3088A>C (p.Lys1030Gln)

Gene: APC (APC regulator of Wnt signaling pathway; plus strand). Cytogenetic location: 5q22.2.
Variant type: single nucleotide variant.
Coding change: c.3088A>C on transcript NM_000038.6 (MANE Select); coding-DNA position 3088, A replaced by C.
Protein change: p.Lys1030Gln; replaces lysine 1030 with glutamine.
Molecular consequence: missense variant.
Genome position (GRCh38, 1-based): chr5:112,838,682, A>C. VCF-style: chr5-112838682-A-C. GRCh37 (hg19) VCF-style: chr5-112174379-A-C.
Other names: c.3088A>C, p.Lys1030Gln (NM_001127510.3, NM_001354895.2); c.3034A>C, p.Lys1012Gln (NM_001127511.3); c.3142A>C, p.Lys1048Gln (NM_001354896.2); c.3118A>C, p.Lys1040Gln (NM_001354897.2); c.3013A>C, p.Lys1005Gln (NM_001354898.2); c.3004A>C, p.Lys1002Gln (NM_001354899.2); c.2965A>C, p.Lys989Gln (NM_001354900.2); c.2911A>C, p.Lys971Gln (NM_001354901.2); and 5 more; short protein forms K1030Q, K1012Q, K1048Q, K939Q, K1005Q, K1040Q, K929Q, K989Q.
Identifiers: ClinVar variation 469905 (VCV000469905.50), dbSNP rs587779786, ClinGen allele CA16028094.